The following is an entry in ClinVar:

NM_002875.5(RAD51):c.154G>A (p.Val52Ile)

Gene: RAD51 (RAD51 recombinase; plus strand). Cytogenetic location: 15q15.1.
Variant type: single nucleotide variant.
Coding change: c.154G>A on transcript NM_002875.5 (MANE Select); coding-DNA position 154, G replaced by A.
Protein change: p.Val52Ile; replaces valine 52 with isoleucine.
Molecular consequence: missense variant.
Genome position (GRCh38, 1-based): chr15:40,701,130, G>A. VCF-style: chr15-40701130-G-A. GRCh37 (hg19) VCF-style: chr15-40993328-G-A.
Other names: c.154G>A, p.Val52Ile (NM_001164269.2, NM_001164270.2, NM_133487.4); short protein forms V52I.
Identifiers: ClinVar variation 3429552 (VCV003429552.1).

ClinVar aggregate classification (germline): Uncertain significance (1 of 4 stars; one submission).

Conditions:
Inborn genetic diseases. Identifiers: MedGen C0950123, MeSH D030342.

Submission:

Ambry Genetics
Classification: Uncertain significance for Inborn genetic diseases. Last evaluated: 2024-08-27. Review status: criteria provided, single submitter. Criteria: Ambry Variant Classification Scheme 2023. Collection method: clinical testing. Allele origin: germline.
Comment: The p.V52I variant (also known as c.154G>A), located in coding exon 2 of the RAD51 gene, results from a G to A substitution at nucleotide position 154. The valine at codon 52 is replaced by isoleucine, an amino acid with highly similar properties. This amino acid position is conserved. In addition, this alteration is predicted to be tolerated by in silico analysis. Based on the available evidence, the clinical significance of this variant remains unclear.